The following is an entry in ClinVar:

ClinVar aggregate classification (germline): Uncertain significance (1 of 4 stars; one submission).

Submission:

GeneDx
Classification: Uncertain significance. Last evaluated: 2026-06-28. Review status: criteria provided, single submitter. Criteria: GeneDx Variant Classification Process June 2021. Collection method: clinical testing. Allele origin: germline.
Comment: Not observed at significant frequency in large population cohorts (gnomAD); In-frame duplication of 2 amino acid(s) in a non-repeat region; Has not been previously published as pathogenic or benign to our knowledge

NM_001348323.3(TRIP12):c.3078_3083dup (p.Ser1028_Met1029insGlySer)

Gene: TRIP12 (thyroid hormone receptor interactor 12; minus strand). Cytogenetic location: 2q36.3.
Variant type: Duplication.
Coding change: c.3078_3083dup on transcript NM_001348323.3 (MANE Select); coding-DNA positions 3078 to 3083, 6 bases duplicated (GGGATC; older notation c.3078_3083dupGGGATC).
Protein change: p.Ser1028_Met1029insGlySer.
Molecular consequence: inframe insertion.
Genome position (GRCh38, 1-based): chr2:229,802,375-229,802,380, GATCCC duplicated on the plus strand (GGGATC on the coding strand, the reverse complement: TRIP12 is on the minus strand); duplicating any 6 consecutive bases within chr2:229,802,375-229,802,385 gives the same sequence; the c. name uses the placement nearest the transcript's 3' end. VCF-style (leftmost placement, unchanged base first): chr2-229802374-G-GGATCCC. GRCh37 (hg19) VCF-style: chr2-230667090-G-GGATCCC.
Other names: c.2997_3002dup, p.Ser1001_Met1002insGlySer (NM_001284214.2, NM_001348315.2); c.2952_2957dup, p.Ser986_Met987insGlySer (NM_001284215.2, NM_001348316.2, NM_001348317.1 and 1 more transcripts); c.2043_2048dup, p.Ser683_Met684insGlySer (NM_001284216.2); c.3078_3083dup, p.Ser1028_Met1029insGlySer (NM_001348319.1, NM_001348320.2, NM_001348322.1 and 4 more transcripts); c.3081_3086dup, p.Ser1029_Met1030insGlySer (NM_001348321.1, NM_001348328.1, NM_001348329.2 and 1 more transcripts); c.2871_2876dup, p.Ser959_Met960insGlySer (NM_001348331.1); c.2991_2996dup, p.Ser999_Met1000insGlySer (NM_001348332.1); c.3000_3005dup, p.Ser1002_Met1003insGlySer (NM_001348333.1); and 1 more.
Identifiers: ClinVar variation 3573893 (VCV003573893.2).